The following is an entry in ClinVar:

NM_007294.4(BRCA1):c.5392T>C (p.Phe1798Leu)

Gene: BRCA1 (BRCA1 DNA repair associated; minus strand). Cytogenetic location: 17q21.31.
Variant type: single nucleotide variant.
Coding change: c.5392T>C on transcript NM_007294.4 (MANE Select); coding-DNA position 5392, T replaced by C.
Protein change: p.Phe1798Leu; replaces phenylalanine 1798 with leucine.
Molecular consequence: missense variant. On other transcripts: non-coding transcript variant (1), intron variant (1).
Genome position (GRCh38, 1-based): chr17:43,049,135, A>G on the plus strand (T>C on the coding strand, the complement: BRCA1 is on the minus strand). VCF-style: chr17-43049135-A-G. GRCh37 (hg19) VCF-style: chr17-41201152-A-G.
Other names: c.1957T>C, p.Phe653Leu (NM_001408439.1, NM_001408440.1, NM_001408441.1 and 10 more transcripts); c.1954T>C, p.Phe652Leu (NM_001408445.1, NM_001408446.1, NM_001408447.1 and 2 more transcripts); c.1942T>C, p.Phe648Leu (NM_001408457.1, NM_001408452.1, NM_001408453.1 and 3 more transcripts); c.1939T>C, p.Phe647Leu (NM_001408458.1, NM_001408459.1, NM_001408460.1 and 7 more transcripts); c.1873T>C, p.Phe625Leu (NM_001408480.1, NM_001408478.1, NM_001408479.1); c.1870T>C, p.Phe624Leu (NM_001408481.1, NM_001408482.1, NM_001408483.1 and 5 more transcripts); c.1816T>C, p.Phe606Leu (NM_001408502.1, NM_001408503.1, NM_001408504.1); c.1813T>C, p.Phe605Leu (NM_001408505.1); and 73 more; short protein forms F1798L, F694L, F1751L, F1819L, F1727L, F1730L, F1797L, F386L.
Identifiers: ClinVar variation 865693 (VCV000865693.3), dbSNP rs2051076501, ClinGen allele CA10590693.

Conditions:
Breast-ovarian cancer, familial, susceptibility to, 1 (BROVCA1). Also called: BRCA1 Hereditary Breast and Ovarian Cancer; OVARIAN CANCER, SUSCEPTIBILITY TO. Identifiers: Orphanet 145, MedGen C2676676, MONDO:0011450, OMIM 604370. Disease mechanism: loss of function.

Submission:

Brotman Baty Institute, University of Washington
No classification provided (evidence only). Condition: Breast-ovarian cancer, familial 1. Review status: no classification provided. Collection method: in vitro. Allele origin: not applicable. Functional consequence: functionally_normal.
ClinVar note: "not provided" was previously submitted as the classification for the variant. However, the classification appeared to be based only on an observation of functional data so it was converted to no classification on 2025-07-30.